The following is an entry in ClinVar:

NM_001165963.4(SCN1A):c.3199G>A (p.Ala1067Thr)

Genes: SCN1A (sodium voltage-gated channel alpha subunit 1; minus strand), LOC102724058 (uncharacterized LOC102724058; plus strand). Cytogenetic location: 2q24.3.
Variant type: single nucleotide variant.
Coding change: c.3199G>A on transcript NM_001165963.4 (MANE Select); coding-DNA position 3199, G replaced by A.
Protein change: p.Ala1067Thr; replaces alanine 1067 with threonine.
Molecular consequence: missense variant. On other transcripts: non-coding transcript variant (2).
Genome position (GRCh38, 1-based): chr2:166,036,278, C>T on the plus strand (G>A on the coding strand, the complement: SCN1A is on the minus strand). VCF-style: chr2-166036278-C-T. GRCh37 (hg19) VCF-style: chr2-166892788-C-T.
Other names: p.A1067T:GCA>ACA; c.3199G>A (NM_001165963.3); c.3115G>A, p.Ala1039Thr (NM_001165964.3, NM_001353957.2, NM_001353958.2); c.3199G>A, p.Ala1067Thr (NM_001202435.3, NM_001353948.2); c.3166G>A, p.Ala1056Thr (NM_001353949.2, NM_001353950.2, NM_001353951.2 and 2 more transcripts); c.3163G>A, p.Ala1055Thr (NM_001353954.2, NM_001353955.2); c.3112G>A, p.Ala1038Thr (NM_001353960.2); c.757G>A, p.Ala253Thr (NM_001353961.2); short protein forms A1056T, A1067T, A1039T, A1038T, A1055T, A253T.
Identifiers: ClinVar variation 36753 (VCV000036753.37), dbSNP rs2298771, ClinGen allele CA214227.

ClinVar aggregate classification (germline): Benign. Review status: criteria provided, multiple submitters, no conflicts (2 of 4 stars). 16 submissions from 15 submitters: Benign (12). 4 of the submissions do not count toward it. Last evaluated 2026-02-04.

Conditions:
Early-infantile DEE. Also called: Ohtahara syndrome; Early infantile epileptic encephalopathy; Early infantile epileptic encephalopathy with suppression bursts. Identifiers: Orphanet 1934, MedGen C0393706, MONDO:0800491.
Inborn genetic diseases. Identifiers: MedGen C0950123, MeSH D030342.
Generalized epilepsy with febrile seizures plus. Also called: Generalized Epilepsy with Febrile Seizures Plus (GEFS+). Identifiers: Orphanet 36387, MedGen C3502809, MONDO:0018214.
Generalized epilepsy with febrile seizures plus, type 2 (GEFSP2). Also called: GEFS+, TYPE 2. Identifiers: Orphanet 36387, MedGen C1858673, MONDO:0011461, OMIM 604403.
Migraine, familial hemiplegic, 3. Identifiers: Orphanet 569, MedGen C1864987, MONDO:0012320, OMIM 609634.

Allele frequency attached by ClinVar (database versions not stated): 1000 Genomes Project 30x 0.78732; gnomAD exomes 0.70277 and 0.72570; ESP Exome Variant Server 0.72320; ExAC 0.72521; gnomAD 0.73880 and 0.73872; TOPMed 0.74032; 1000 Genomes Project 0.78854.
gnomAD v4.1: 1,138,442 of 1,613,022 alleles (71%); highest among the groups gnomAD compares: East Asian, 89%; 404,559 homozygotes.

Submissions (26):

Labcorp Genetics (formerly Invitae), Labcorp
Classification: Benign for Early-infantile DEE. Last evaluated: 2026-02-04. Review status: criteria provided, single submitter. Criteria: Invitae Variant Classification Sherloc (09022015). Collection method: clinical testing. Allele origin: germline.

ARUP Laboratories, Molecular Genetics and Genomics, ARUP Laboratories
Classification: Benign. Last evaluated: 2025-07-17. Review status: criteria provided, single submitter. Criteria: ARUP Molecular Germline Variant Investigation Process 2024. Collection method: clinical testing. Allele origin: germline.

Blueprint Genetics
Classification: Benign. Last evaluated: 2024-11-26. Review status: criteria provided, single submitter. Criteria: ACMG Guidelines, 2015. Collection method: clinical testing. Allele origin: germline.

Unidad de Genómica Garrahan, Hospital de Pediatría Garrahan
Classification: Benign. Last evaluated: 2024-07-15. Review status: criteria provided, single submitter. Criteria: ACMG Guidelines, 2015. Collection method: clinical testing. Allele origin: germline. Affected: no. Observed: 83 variant alleles.
Comment: This variant is classified as Benign based on local population frequency. This variant was detected in 89% of patients studied in a panel designed for Epileptic and Developmental Encephalopathy and Progressive Myoclonus Epilepsy. Number of patients: 83. Only high quality variants are reported.

Mayo Clinic Laboratories, Mayo Clinic
Classification: Benign. Last evaluated: 2018-11-29. Review status: criteria provided, single submitter. Criteria: ACMG Guidelines, 2015. Collection method: clinical testing. Allele origin: germline. Observed: 718 variant alleles.

Illumina Laboratory Services, Illumina
Classification: Benign for Migraine, familial hemiplegic, 3. Last evaluated: 2018-01-12. Review status: criteria provided, single submitter. Criteria: ICSL Variant Classification Criteria 13 December 2019. Collection method: clinical testing. Allele origin: germline.
Comment: This variant was observed in the ICSL laboratory as part of a predisposition screen in an ostensibly healthy population. It had not been previously curated by ICSL or reported in the Human Gene Mutation Database (HGMD: prior to June 1st, 2018), and was therefore a candidate for classification through an automated scoring system. Utilizing variant allele frequency, disease prevalence and penetrance estimates, and inheritance mode, an automated score was calculated to assess if this variant is too frequent to cause the disease. Based on the score and internal cut-off values, a variant classified as benign is not then subjected to further curation. The score for this variant resulted in a classification of benign for this disease.

Illumina Laboratory Services, Illumina
Classification: Benign for Generalized epilepsy with febrile seizures plus, type 2. Last evaluated: 2018-01-12. Review status: criteria provided, single submitter. Criteria: ICSL Variant Classification Criteria 13 December 2019. Collection method: clinical testing. Allele origin: germline.
Comment: the same text as in the submission from Illumina Laboratory Services, Illumina above.

Eurofins Ntd Llc (ga)
Classification: Benign. Last evaluated: 2017-01-31. Review status: criteria provided, single submitter. Criteria: EGL Classification Definitions 2015. Collection method: clinical testing. Allele origin: germline. Observed: 151 variant alleles, 63 heterozygotes, 88 homozygotes.

Ambry Genetics
Classification: Benign for Inborn genetic diseases. Last evaluated: 2015-12-31. Review status: criteria provided, single submitter. Criteria: Ambry Variant Classification Scheme 2023. Collection method: clinical testing. Allele origin: germline.

GeneDx
Classification: Benign. Last evaluated: 2013-05-28. Review status: criteria provided, single submitter. Criteria: GeneDx Variant Classification (06012015). Collection method: clinical testing. Allele origin: germline. Affected: yes.
Comment: This variant is considered likely benign or benign based on one or more of the following criteria: it is a conservative change, it occurs at a poorly conserved position in the protein, it is predicted to be benign by multiple in silico algorithms, and/or has population frequency not consistent with disease.

Breakthrough Genomics
Classification: Benign. Review status: criteria provided, single submitter. Criteria: ACMG Guidelines, 2015. Collection method: not provided. Allele origin: germline. Inheritance: Autosomal dominant inheritance. Affected: yes.

PreventionGenetics, part of Exact Sciences
Classification: Benign. Review status: criteria provided, single submitter. Criteria: ACMG Guidelines, 2015. Collection method: clinical testing. Allele origin: germline.

Women's Health and Genetics/Laboratory Corporation of America, LabCorp
Classification: Benign for Generalized epilepsy with febrile seizures plus. Last evaluated: 2011-08-21. Review status: no assertion criteria provided. Collection method: clinical testing. Allele origin: germline. Not counted in ClinVar's aggregate classification.

Channelopathy-Associated Epilepsy Research Center
No classification provided (evidence only). Review status: no classification provided. Collection method: in vitro. Allele origin: not applicable. Functional consequence: Normal peak current. Not counted in ClinVar's aggregate classification.

Channelopathy-Associated Epilepsy Research Center
No classification provided (evidence only). Review status: no classification provided. Collection method: in vitro. Allele origin: not applicable. Functional consequence: Normal voltage dependence of activation. Not counted in ClinVar's aggregate classification.

Channelopathy-Associated Epilepsy Research Center
No classification provided (evidence only). Review status: no classification provided. Collection method: in vitro. Allele origin: not applicable. Functional consequence: Normal slope of activation. Not counted in ClinVar's aggregate classification.

Channelopathy-Associated Epilepsy Research Center
No classification provided (evidence only). Review status: no classification provided. Collection method: in vitro. Allele origin: not applicable. Functional consequence: Normal voltage dependence of fast inactivation. Not counted in ClinVar's aggregate classification.

Channelopathy-Associated Epilepsy Research Center
No classification provided (evidence only). Review status: no classification provided. Collection method: in vitro. Allele origin: not applicable. Functional consequence: Normal slope of fast inactivation. Not counted in ClinVar's aggregate classification.

Channelopathy-Associated Epilepsy Research Center
No classification provided (evidence only). Review status: no classification provided. Collection method: in vitro. Allele origin: not applicable. Functional consequence: Normal rate of recovery from fast inactivation. Not counted in ClinVar's aggregate classification.

Channelopathy-Associated Epilepsy Research Center
No classification provided (evidence only). Review status: no classification provided. Collection method: in vitro. Allele origin: not applicable. Functional consequence: Normal current amplitude in use dependence. Not counted in ClinVar's aggregate classification.

Channelopathy-Associated Epilepsy Research Center
No classification provided (evidence only). Review status: no classification provided. Collection method: in vitro. Allele origin: not applicable. Functional consequence: Normal fast inactivation. Not counted in ClinVar's aggregate classification.

Channelopathy-Associated Epilepsy Research Center
No classification provided (evidence only). Review status: no classification provided. Collection method: in vitro. Allele origin: not applicable. Functional consequence: Normal ramp current. Not counted in ClinVar's aggregate classification.

Channelopathy-Associated Epilepsy Research Center
No classification provided (evidence only). Review status: no classification provided. Collection method: in vitro. Allele origin: not applicable. Functional consequence: Normal persistent current. Not counted in ClinVar's aggregate classification.

Diagnostic Laboratory, Department of Genetics, University Medical Center Groningen
Classification: Benign. Review status: no assertion criteria provided. Collection method: clinical testing. Allele origin: germline. Affected: yes. Study: VKGL Data-share Consensus. Not counted in ClinVar's aggregate classification.

Genetic Services Laboratory, University of Chicago
Classification: Likely benign for AllHighlyPenetrant. Review status: no assertion criteria provided. Collection method: clinical testing. Allele origin: germline. Inheritance: Autosomal dominant inheritance. Not counted in ClinVar's aggregate classification.
Comment: Likely benign based on allele frequency in 1000 Genomes Project or ESP global frequency and its presence in a patient with a rare or unrelated disease phenotype. NOT Sanger confirmed.

Joint Genome Diagnostic Labs from Nijmegen and Maastricht, Radboudumc and MUMC+
Classification: Benign. Review status: no assertion criteria provided. Collection method: clinical testing. Allele origin: germline. Affected: yes. Study: VKGL Data-share Consensus. Not counted in ClinVar's aggregate classification.

Literature cited by the submitters: PubMed 24337656 (cited by Ambry Genetics).